The following is an entry in ClinVar:

NM_000458.4(HNF1B):c.516C>G (p.Tyr172Ter)

Gene: HNF1B (HNF1 homeobox B; minus strand). Cytogenetic location: 17q12.
Variant type: single nucleotide variant.
Coding change: c.516C>G on transcript NM_000458.4 (MANE Select); coding-DNA position 516, C replaced by G.
Protein change: p.Tyr172Ter; replaces tyrosine 172 with a stop codon.
Molecular consequence: nonsense.
Genome position (GRCh38, 1-based): chr17:37,739,468, G>C on the plus strand (C>G on the coding strand, the complement: HNF1B is on the minus strand). VCF-style: chr17-37739468-G-C. GRCh37 (hg19) VCF-style: chr17-36099459-G-C.
Other names: c.516C>G, p.Tyr172Ter (NM_001165923.4, NM_001304286.2); short protein forms Y172*.
Identifiers: ClinVar variation 972859 (VCV000972859.34), dbSNP rs764561297, ClinGen allele CA398751136.
Genomic context (GRCh38, chr17:37,739,468, plus strand): 5'-GGTTGAGGCAGAGGCAGGATGAAAACACTTACGTCGGAGGATCTCTCGTTGCTTTCTGAC[G>C]TACCAGGTGTACAGAGCGGCACGCTTCTGGGTCTTCATAGGGGTGCCCTTGTTGAGATGC-3'

ClinVar aggregate classification (germline): Pathogenic. Review status: criteria provided, multiple submitters, no conflicts (2 of 4 stars). 3 submissions from 3 submitters: Pathogenic (3). Last evaluated 2024-02-24.

Conditions:
Hyperechogenic kidneys. Also called: echogenic kidneys. Identifiers: MedGen C3275899, HP:0004719.

Submissions (3):

Labcorp Genetics (formerly Invitae), Labcorp
Classification: Pathogenic. Last evaluated: 2024-02-24. Review status: criteria provided, single submitter. Criteria: Invitae Variant Classification Sherloc (09022015). Collection method: clinical testing. Allele origin: germline.
Comment: This sequence change creates a premature translational stop signal (p.Tyr172*) in the HNF1B gene. It is expected to result in an absent or disrupted protein product. Loss-of-function variants in HNF1B are known to be pathogenic (PMID: 9398836, 12148114, 15068978, 20378641). This variant is not present in population databases (gnomAD no frequency). This premature translational stop signal has been observed in individual(s) with HNF1B-related conditions (PMID: 33437033, 36777702). ClinVar contains an entry for this variant (Variation ID: 972859). Algorithms developed to predict the effect of sequence changes on RNA splicing suggest that this variant may disrupt the consensus splice site. For these reasons, this variant has been classified as Pathogenic.

Prenatal Diagnostic Center, Guangzhou Women and Children's Medical Center
Classification: Pathogenic for Hyperechogenic kidneys. Last evaluated: 2022-07-09. Review status: criteria provided, single submitter. Criteria: ACMG Guidelines, 2015. Collection method: clinical testing. Allele origin: de novo. Affected: yes.
Comment: The nonsense variant “NM_000458.4:c.516C>G” was classified as pathogenic using PVS1+PS2+PM2_Supporting+PP4 evidence. PVS1: HNF1B is a haploinsufficiency gene and the varinat is predicted to cause NMD; PS2: the variant is a de novo mutation confirmed by trio ES; PM2_Supporting: the population frequency of this variant is absent in gnomAD, ExAc and 1000Genome database; PP4: the isolated bilateral renal hyperechogenicity phenotype of the fetal is highly specific for the genetic etiology of HNF1B disases. This variants has previously been reported in PMID: 33437033 and also classified as pathogenic.

Molecular Genetics of Inherited Kidney Disorders Laboratory, Garvan Institute of Medical Research
Classification: Pathogenic. Last evaluated: 2019-01-01. Review status: criteria provided, single submitter. Criteria: ACMG Guidelines, 2015. Collection method: clinical testing. Allele origin: germline. Affected: yes.

Literature cited by the submitters: PubMed 9398836 (cited by Labcorp Genetics (formerly Invitae), Labcorp); PubMed 12148114 (cited by Labcorp Genetics (formerly Invitae), Labcorp); PubMed 15068978 (cited by Labcorp Genetics (formerly Invitae), Labcorp); PubMed 20378641 (cited by Labcorp Genetics (formerly Invitae), Labcorp); PubMed 33437033 (cited by Labcorp Genetics (formerly Invitae), Labcorp and Prenatal Diagnostic Center, Guangzhou Women and Children's Medical Center); PubMed 36777702 (cited by Labcorp Genetics (formerly Invitae), Labcorp).